The following is an entry in ClinVar:

ClinVar aggregate classification (germline): Uncertain significance (1 of 4 stars; one submission).

Conditions:
Combined immunodeficiency due to OX40 deficiency. Also called: Immunodeficiency 16; OX40 DEFICIENCY. Identifiers: Orphanet 431149, MedGen C3810053, MONDO:0014268, OMIM 615593.

Allele frequency attached by ClinVar (database versions not stated): gnomAD 0.00003; gnomAD exomes 0.00003; ExAC 0.00004; TOPMed 0.00006; ESP Exome Variant Server 0.00008; 1000 Genomes Project 30x 0.00016; 1000 Genomes Project 0.00020.
gnomAD v4.1: 10 of 1,612,416 alleles (0.00062%); highest among the groups gnomAD compares: African/African-American, 0.008%; no homozygotes.

Submission:

Labcorp Genetics (formerly Invitae), Labcorp
Classification: Uncertain significance for Combined immunodeficiency due to OX40 deficiency. Last evaluated: 2026-01-25. Review status: criteria provided, single submitter. Criteria: Invitae Variant Classification Sherloc (09022015). Collection method: clinical testing. Allele origin: germline.
Comment: This sequence change replaces aspartic acid, which is acidic and polar, with glutamic acid, which is acidic and polar, at codon 168 of the TNFRSF4 protein (p.Asp168Glu). This variant is present in population databases (rs201228114, gnomAD 0.03%). This variant has not been reported in the literature in individuals affected with TNFRSF4-related conditions. ClinVar contains an entry for this variant (Variation ID: 1383055). Invitae Evidence Modeling of protein sequence and biophysical properties (such as structural, functional, and spatial information, amino acid conservation, physicochemical variation, residue mobility, and thermodynamic stability) indicates that this missense variant is not expected to disrupt TNFRSF4 protein function with a negative predictive value of 80%. In summary, the available evidence is currently insufficient to determine the role of this variant in disease. Therefore, it has been classified as a Variant of Uncertain Significance.

NM_003327.4(TNFRSF4):c.504C>G (p.Asp168Glu)

Gene: TNFRSF4 (TNF receptor superfamily member 4; minus strand). Cytogenetic location: 1p36.33.
Variant type: single nucleotide variant.
Coding change: c.504C>G on transcript NM_003327.4 (MANE Select); coding-DNA position 504, C replaced by G.
Protein change: p.Asp168Glu; replaces aspartic acid 168 with glutamic acid.
Molecular consequence: missense variant.
Genome position (GRCh38, 1-based): chr1:1,212,072, G>C on the plus strand (C>G on the coding strand, the complement: TNFRSF4 is on the minus strand). VCF-style: chr1-1212072-G-C. GRCh37 (hg19) VCF-style: chr1-1147452-G-C.
Other names: short protein forms D168E.
Identifiers: ClinVar variation 1383055 (VCV001383055.8), dbSNP rs201228114, ClinGen allele CA512438.
Genomic context (GRCh38, chr1:1,212,072, plus strand): 5'-AGTGATGGGCCTGGCCGGGGGGCCCTGGGTCTCCTGGGGCTGCGTGGCTGGGGGGTCCCT[G>C]TCCTCACAGATTGCGTCCGAGCTATTGCTGGCCGGCTGCAGGGTGTGCTTCCCAGCCAAG-3'
Protein context (NP_003318.1, residues 158-178): ASNSSDAICE[Asp168Glu]RDPPATQPQE